The following is an entry in ClinVar:

NM_020207.7(ERCC6L2):c.1658G>A (p.Arg553Gln)

Gene: ERCC6L2 (ERCC excision repair 6 like 2; plus strand). Cytogenetic location: 9q22.32.
Variant type: single nucleotide variant.
Coding change: c.1658G>A on transcript NM_020207.7 (MANE Select); coding-DNA position 1658, G replaced by A.
Protein change: p.Arg553Gln; replaces arginine 553 with glutamine.
Molecular consequence: missense variant. On other transcripts: non-coding transcript variant (1).
Genome position (GRCh38, 1-based): chr9:95,928,771, G>A. VCF-style: chr9-95928771-G-A. GRCh37 (hg19) VCF-style: chr9-98691053-G-A.
Other names: c.1658G>A, p.Arg553Gln (NM_001010895.4, NM_001375291.1, NM_001375292.1 and 2 more transcripts); short protein forms R553Q.
Identifiers: ClinVar variation 4618747 (VCV004618747.1).

ClinVar aggregate classification (germline): Uncertain significance (1 of 4 stars; one submission).

Conditions:
Inborn genetic diseases. Identifiers: MedGen C0950123, MeSH D030342.

gnomAD v4.1: 10 of 1,613,264 alleles (0.00062%); highest among the groups gnomAD compares: South Asian, 0.0033%; no homozygotes.

Submission:

Ambry Genetics
Classification: Uncertain significance for Inborn genetic diseases. Last evaluated: 2025-11-02. Review status: criteria provided, single submitter. Criteria: Ambry Variant Classification Scheme 2023. Collection method: clinical testing. Allele origin: germline.
Comment: The p.R553Q variant (also known as c.1658G>A), located in coding exon 11 of the ERCC6L2 gene, results from a G to A substitution at nucleotide position 1658. The arginine at codon 553 is replaced by glutamine, an amino acid with highly similar properties. This amino acid position is conserved. In addition, this alteration is predicted to be deleterious by in silico analysis. Based on the available evidence, the clinical significance of this variant remains unclear.